The following is an entry in ClinVar:

NM_001378477.3(NYX):c.1210A>G (p.Thr404Ala)

Gene: NYX (nyctalopin; plus strand). Cytogenetic location: Xp11.4.
Variant type: single nucleotide variant.
Coding change: c.1210A>G on transcript NM_001378477.3 (MANE Select); coding-DNA position 1210, A replaced by G.
Protein change: p.Thr404Ala; replaces threonine 404 with alanine.
Molecular consequence: missense variant.
Genome position (GRCh38, 1-based): chrX:41,474,678, A>G. VCF-style: chrX-41474678-A-G. GRCh37 (hg19) VCF-style: chrX-41333931-A-G.
Other names: c.1210A>G, p.Thr404Ala (NM_022567.3); short protein forms T404A.
Identifiers: ClinVar variation 4703626 (VCV004703626.1).

ClinVar aggregate classification (germline): Uncertain significance (1 of 4 stars; one submission).

Submission:

Labcorp Genetics (formerly Invitae), Labcorp
Classification: Uncertain significance. Last evaluated: 2025-04-20. Review status: criteria provided, single submitter. Criteria: Invitae Variant Classification Sherloc (09022015). Collection method: clinical testing. Allele origin: germline.
Comment: This sequence change replaces threonine, which is neutral and polar, with alanine, which is neutral and non-polar, at codon 409 of the NYX protein (p.Thr409Ala). This variant is not present in population databases (gnomAD no frequency). This variant has not been reported in the literature in individuals affected with NYX-related conditions. An algorithm developed to predict the effect of missense changes on protein structure and function (PolyPhen-2) suggests that this variant is likely to be tolerated. In summary, the available evidence is currently insufficient to determine the role of this variant in disease. Therefore, it has been classified as a Variant of Uncertain Significance.